The following is an entry in ClinVar:

NM_002439.5(MSH3):c.2871_2874del (p.Asp958fs)

Gene: MSH3 (mutS homolog 3; plus strand). Cytogenetic location: 5q14.1.
Variant type: Microsatellite.
Coding change: c.2871_2874del on transcript NM_002439.5 (MANE Select); coding-DNA positions 2871 to 2874, 4 bases deleted (TGAC; older notation c.2871_2874delTGAC).
Protein change: p.Asp958fs; shifts the reading frame from aspartic acid 958.
Molecular consequence: frameshift variant.
Genome position (GRCh38, 1-based): chr5:80,854,187-80,854,190, TGAC deleted; deleting any 4 consecutive bases within chr5:80,854,181-80,854,190 gives the same sequence; the c. name uses the placement nearest the transcript's 3' end. VCF-style (leftmost placement, unchanged base first): chr5-80854180-AACTG-A. GRCh37 (hg19) VCF-style: chr5-80149999-AACTG-A.
Other names: short protein forms D958fs.
Identifiers: ClinVar variation 651493 (VCV000651493.12), dbSNP rs1580091499, ClinGen allele CA915943374.

ClinVar aggregate classification (germline): Pathogenic/Likely pathogenic. Review status: criteria provided, multiple submitters, no conflicts (2 of 4 stars). 5 submissions from 5 submitters: Pathogenic (4); Likely pathogenic (1). Last evaluated 2025-06-30.

Conditions:
Endometrial carcinoma. Also called: Endometrial carcinoma, somatic. Identifiers: MedGen C0476089, MONDO:0002447, OMIM 608089, HP:0012114.
Familial adenomatous polyposis 4 (FAP4). Also called: MSH3-related attenuated familial adenomatous polyposis. Identifiers: Orphanet 480536, MedGen C4310719, MONDO:0044300, OMIM 617100.
Hereditary cancer-predisposing syndrome. Also called: Neoplastic Syndromes, Hereditary; Tumor predisposition; Hereditary Cancer Syndrome; Hereditary neoplastic syndrome. Identifiers: Orphanet 140162, MedGen C0027672, MeSH D009386, MONDO:0015356.

Submissions (5):

Labcorp Genetics (formerly Invitae), Labcorp
Classification: Pathogenic. Last evaluated: 2025-06-30. Review status: criteria provided, single submitter. Criteria: Invitae Variant Classification Sherloc (09022015). Collection method: clinical testing. Allele origin: germline.
Comment: This sequence change creates a premature translational stop signal (p.Asp958Glnfs*4) in the MSH3 gene. It is expected to result in an absent or disrupted protein product. Loss-of-function variants in MSH3 are known to be pathogenic (PMID: 27476653, 37402566). This variant is not present in population databases (gnomAD no frequency). This variant has not been reported in the literature in individuals affected with MSH3-related conditions. For these reasons, this variant has been classified as Pathogenic.

Fulgent Genetics
Classification: Pathogenic for Endometrial carcinoma; Familial adenomatous polyposis 4. Last evaluated: 2024-01-26. Review status: criteria provided, single submitter. Criteria: ACMG Guidelines, 2015. Collection method: clinical testing. Allele origin: germline.

Ambry Genetics
Classification: Pathogenic for Hereditary cancer-predisposing syndrome. Last evaluated: 2023-10-24. Review status: criteria provided, single submitter. Criteria: Ambry Variant Classification Scheme 2023. Collection method: clinical testing. Allele origin: germline.
Comment: The c.2871_2874delTGAC pathogenic mutation, located in coding exon 21 of the MSH3 gene, results from a deletion of 4 nucleotides at nucleotide positions 2871 to 2874, causing a translational frameshift with a predicted alternate stop codon (p.D958Qfs*4). This variant is considered to be rare based on population cohorts in the Genome Aggregation Database (gnomAD). This alteration is expected to result in loss of function by premature protein truncation or nonsense-mediated mRNA decay. As such, this alteration is interpreted as a disease-causing mutation.

Myriad Genetics, Inc.
Classification: Pathogenic for Familial adenomatous polyposis 4. Last evaluated: 2023-08-31. Review status: criteria provided, single submitter. Criteria: Myriad Autosomal Dominant, Autosomal Recessive and X-Linked Classification Criteria (2023). Collection method: clinical testing. Allele origin: unknown.
Comment: This variant is considered pathogenic. This variant creates a frameshift predicted to result in premature protein truncation.

Baylor Genetics
Classification: Likely pathogenic for Endometrial carcinoma. Last evaluated: 2023-04-03. Review status: criteria provided, single submitter. Criteria: ACMG Guidelines, 2015. Collection method: clinical testing. Allele origin: unknown.

Literature cited by the submitters: PubMed 27476653 (cited by Labcorp Genetics (formerly Invitae), Labcorp); PubMed 37402566 (cited by Labcorp Genetics (formerly Invitae), Labcorp).